The following is an entry in ClinVar:

ClinVar aggregate classification (germline): Likely benign. Review status: criteria provided, multiple submitters, no conflicts (2 of 4 stars). 2 submissions from 2 submitters: Likely benign (2). Last evaluated 2018-06-14.

Allele frequency attached by ClinVar (database versions not stated): 1000 Genomes Project 0.01677; 1000 Genomes Project 30x 0.01718; TOPMed 0.02909; gnomAD 0.02915 and 0.02936; gnomAD exomes 0.03904.
gnomAD v4.1: 34,520 of 922,544 alleles (3.7%); highest among the groups gnomAD compares: Non-Finnish European, 4.6%; 859 homozygotes.

Submissions (2):

GeneDx
Classification: Likely benign. Last evaluated: 2018-06-14. Review status: criteria provided, single submitter. Criteria: GeneDx Variant Classification (06012015). Collection method: clinical testing. Allele origin: germline. Affected: yes.
Comment: This variant is considered likely benign or benign based on one or more of the following criteria: it is a conservative change, it occurs at a poorly conserved position in the protein, it is predicted to be benign by multiple in silico algorithms, and/or has population frequency not consistent with disease.

Breakthrough Genomics
Classification: Likely benign. Review status: criteria provided, single submitter. Criteria: ACMG Guidelines, 2015. Collection method: not provided. Allele origin: germline. Inheritance: Autosomal recessive inheritance. Affected: yes.

NM_024996.7(GFM1):c.840+108C>G

Gene: GFM1 (G elongation factor mitochondrial 1; plus strand). Cytogenetic location: 3q25.32.
Variant type: single nucleotide variant.
Coding change: c.840+108C>G on transcript NM_024996.7 (MANE Select); 108 bases into the intron after coding-DNA position 840, C replaced by G.
Molecular consequence: intron variant.
Genome position (GRCh38, 1-based): chr3:158,652,354, C>G. VCF-style: chr3-158652354-C-G. GRCh37 (hg19) VCF-style: chr3-158370143-C-G.
Other names: c.897+108C>G (NM_001308164.2, NM_001374355.1); c.615+108C>G (NM_001374357.1); c.723+108C>G (NM_001374356.1); c.273+108C>G (NM_001374359.1, NM_001374360.1); c.156+108C>G (NM_001374361.1); c.381+108C>G (NM_001374358.1); c.840+108C>G (NM_001308166.2).
Identifiers: ClinVar variation 674097 (VCV000674097.2), dbSNP rs55992564, ClinGen allele CA86500188.